The following is an entry in ClinVar:

ClinVar aggregate classification (germline): Uncertain significance. Review status: criteria provided, multiple submitters, no conflicts (2 of 4 stars). 2 submissions from 2 submitters: Uncertain significance (2). Last evaluated 2025-06-03.

Conditions:
Inborn genetic diseases. Identifiers: MedGen C0950123, MeSH D030342.

gnomAD v4.1: 1 of 1,210,440 alleles (0.000083%); highest among the groups gnomAD compares: Non-Finnish European, 0.0001%; no homozygotes.

Submissions (2):

Ambry Genetics
Classification: Uncertain significance for Inborn genetic diseases. Last evaluated: 2025-06-03. Review status: criteria provided, single submitter. Criteria: Ambry Variant Classification Scheme 2023. Collection method: clinical testing. Allele origin: germline.

Women's Health and Genetics/Laboratory Corporation of America, LabCorp
Classification: Uncertain significance. Last evaluated: 2023-07-19. Review status: criteria provided, single submitter. Criteria: LabCorp Variant Classification Summary - May 2015. Collection method: clinical testing. Allele origin: germline.
Comment: Variant summary: KCNC3 c.709G>A (p.Gly237Arg) results in a non-conservative amino acid change in the encoded protein sequence. Three of five in-silico tools predict a damaging effect of the variant on protein function. The variant was absent in 6634 control chromosomes. The available data on variant occurrences in the general population are insufficient to allow any conclusion about variant significance. To our knowledge, no occurrence of c.709G>A in individuals affected with Spinocerebellar Ataxia Type 13 and no experimental evidence demonstrating its impact on protein function have been reported. No submitters have cited clinical-significance assessments for this variant to ClinVar after 2014. Based on the evidence outlined above, the variant was classified as uncertain significance.

NM_004977.3(KCNC3):c.709G>A (p.Gly237Arg)

Gene: KCNC3 (potassium voltage-gated channel subfamily C member 3; minus strand). Cytogenetic location: 19q13.33.
Variant type: single nucleotide variant.
Coding change: c.709G>A on transcript NM_004977.3 (MANE Select); coding-DNA position 709, G replaced by A.
Protein change: p.Gly237Arg; replaces glycine 237 with arginine.
Molecular consequence: missense variant.
Genome position (GRCh38, 1-based): chr19:50,328,374, C>T on the plus strand (G>A on the coding strand, the complement: KCNC3 is on the minus strand). VCF-style: chr19-50328374-C-T. GRCh37 (hg19) VCF-style: chr19-50831631-C-T.
Other names: c.481G>A, p.Gly161Arg (NM_001372305.1); short protein forms G161R, G237R.
Identifiers: ClinVar variation 2577046 (VCV002577046.2), dbSNP rs1209864398, ClinGen allele CA406954360.